The following is an entry in ClinVar:

NM_003979.4(GPRC5A):c.258C>T (p.Ile86=)

Gene: GPRC5A (G protein-coupled receptor class C group 5 member A; plus strand). Cytogenetic location: 12p13.1.
Variant type: single nucleotide variant.
Coding change: c.258C>T on transcript NM_003979.4 (MANE Select); coding-DNA position 258, C replaced by T.
Protein change: p.Ile86=; no amino-acid change (isoleucine 86 retained).
Molecular consequence: synonymous variant.
Genome position (GRCh38, 1-based): chr12:12,908,507, C>T. VCF-style: chr12-12908507-C-T. GRCh37 (hg19) VCF-style: chr12-13061441-C-T.
Identifiers: ClinVar variation 2642741 (VCV002642741.24), dbSNP rs144830738, ClinGen allele CA6458626.
Genomic context (GRCh38, chr12:12,908,507, plus strand): 5'-TACTCAGTTTCTCTTCCTCCTGGGTGTGTTGGGCATCTTTGGCCTCACCTTCGCCTTCAT[C>T]ATCGGACTGGACGGGAGCACAGGGCCCACACGCTTCTTCCTCTTTGGGATCCTCTTTTCC-3'
Protein context (NP_003970.1, residues 76-96): LGIFGLTFAF[Ile86=]IGLDGSTGPT

ClinVar aggregate classification (germline): Likely benign (1 of 4 stars; one submission).

Allele frequency attached by ClinVar (database versions not stated): 1000 Genomes Project 0.00160; 1000 Genomes Project 30x 0.00203; ExAC 0.00274; gnomAD 0.00303; ESP Exome Variant Server 0.00315; TOPMed 0.00329; gnomAD exomes 0.00383.
gnomAD v4.1: 6,049 of 1,614,168 alleles (0.37%); highest among the groups gnomAD compares: Admixed American, 0.45%; 20 homozygotes.

Submission:

CeGaT Center for Human Genetics Tuebingen
Classification: Likely benign. Last evaluated: 2022-12-01. Review status: criteria provided, single submitter. Criteria: CeGaT Center For Human Genetics Tuebingen Variant Classification Criteria Version 2. Collection method: clinical testing. Allele origin: germline. Affected: yes. Observed: 1 variant allele.
Comment: GPRC5A: BP4, BS2